The following is an entry in ClinVar:

ClinVar aggregate classification (germline): Uncertain significance. Review status: criteria provided, multiple submitters, no conflicts (2 of 4 stars). 3 submissions from 3 submitters: Uncertain significance (3). Last evaluated 2023-08-23.

Conditions:
Hereditary cancer-predisposing syndrome. Also called: Tumor predisposition; Hereditary neoplastic syndrome; Neoplastic Syndromes, Hereditary; Hereditary Cancer Syndrome. Identifiers: Orphanet 140162, MedGen C0027672, MeSH D009386, MONDO:0015356.
Multiple endocrine neoplasia, type 2 (MEN2). Identifiers: Orphanet 653, MedGen C4048306, MONDO:0019003. Disease mechanism: gain of function.

gnomAD v4.1: 1 of 1,509,716 alleles (0.000066%); highest among the groups gnomAD compares: Admixed American, 0.0021%; no homozygotes.

Submissions (3):

Ambry Genetics
Classification: Uncertain significance for Hereditary cancer-predisposing syndrome. Last evaluated: 2023-08-23. Review status: criteria provided, single submitter. Criteria: Ambry Variant Classification Scheme 2023. Collection method: clinical testing. Allele origin: germline.
Comment: The p.L11V variant (also known as c.31C>G), located in coding exon 1 of the RET gene, results from a C to G substitution at nucleotide position 31. The leucine at codon 11 is replaced by valine, an amino acid with highly similar properties. This amino acid position is not well conserved in available vertebrate species. In addition, the in silico prediction for this alteration is inconclusive. Since supporting evidence is limited at this time, the clinical significance of this alteration remains unclear.

All of Us Research Program, National Institutes of Health
Classification: Uncertain significance for Multiple endocrine neoplasia, type 2. Last evaluated: 2023-03-04. Review status: criteria provided, single submitter. Criteria: ACMG Guidelines, 2015. Collection method: clinical testing. Allele origin: germline. Inheritance: Autosomal dominant inheritance. Observed: 2 variant alleles, 2 heterozygotes.
Comment: This missense variant replaces leucine with valine at codon 11 of the RET protein. Computational prediction suggests that this variant may not impact protein structure and function (internally defined REVEL score threshold <= 0.5, PMID: 27666373). To our knowledge, functional studies have not been reported for this variant. This variant has not been reported in individuals affected with hereditary cancer in the literature. This variant has not been identified in the general population by the Genome Aggregation Database (gnomAD). The available evidence is insufficient to determine the role of this variant in disease conclusively. Therefore, this variant is classified as a Variant of Uncertain Significance.

This study involves interpretation of variants in research participants for the purpose of population health screening. Participant phenotype was not available at the time of variant classification. Additional details can be found in publication PMID: 35346344, PMCID: PMC8962531

Labcorp Genetics (formerly Invitae), Labcorp
Classification: Uncertain significance for Multiple endocrine neoplasia, type 2. Last evaluated: 2023-02-10. Review status: criteria provided, single submitter. Criteria: Invitae Variant Classification Sherloc (09022015). Collection method: clinical testing. Allele origin: germline.
Comment: In summary, the available evidence is currently insufficient to determine the role of this variant in disease. Therefore, it has been classified as a Variant of Uncertain Significance. Algorithms developed to predict the effect of missense changes on protein structure and function (SIFT, PolyPhen-2, Align-GVGD) all suggest that this variant is likely to be tolerated. ClinVar contains an entry for this variant (Variation ID: 136117). This variant has not been reported in the literature in individuals affected with RET-related conditions. This variant is not present in population databases (gnomAD no frequency). This sequence change replaces leucine, which is neutral and non-polar, with valine, which is neutral and non-polar, at codon 11 of the RET protein (p.Leu11Val).

NM_020975.6(RET):c.31C>G (p.Leu11Val)

Genes: RET (ret proto-oncogene; plus strand), LOC106736614 (RET 5' regulatory region; plus strand). Cytogenetic location: 10q11.21.
Variant type: single nucleotide variant.
Coding change: c.31C>G on transcript NM_020975.6 (MANE Select); coding-DNA position 31, C replaced by G.
Protein change: p.Leu11Val; replaces leucine 11 with valine.
Molecular consequence: missense variant.
Genome position (GRCh38, 1-based): chr10:43,077,289, C>G. VCF-style: chr10-43077289-C-G. GRCh37 (hg19) VCF-style: chr10-43572737-C-G.
Other names: c.31C>G, p.Leu11Val (NM_000323.2, NM_001406743.1, NM_001406744.1 and 38 more transcripts); short protein forms L11V.
Identifiers: ClinVar variation 136117 (VCV000136117.16), dbSNP rs587780812, ClinGen allele CA009216.